The following is an entry in ClinVar:

ClinVar aggregate classification (germline): Uncertain significance (1 of 4 stars; one submission).

Conditions:
ZEB2-related disorder. Also called: ZEB2-related condition.

Submission:

PreventionGenetics, part of Exact Sciences
Classification: Uncertain significance for ZEB2-related condition. Last evaluated: 2022-09-08. Review status: criteria provided, single submitter. Criteria: ACMG Guidelines, 2015. Collection method: clinical testing. Allele origin: germline.
Comment: The ZEB2 c.1658A>T variant is predicted to result in the amino acid substitution p.Asn553Ile. To our knowledge, this variant has not been reported in the literature or in a large population database, indicating this variant is rare. At this time, the clinical significance of this variant is uncertain due to the absence of conclusive functional and genetic evidence.

NM_014795.4(ZEB2):c.1658A>T (p.Asn553Ile)

Gene: ZEB2 (zinc finger E-box binding homeobox 2; minus strand). Cytogenetic location: 2q22.3.
Variant type: single nucleotide variant.
Coding change: c.1658A>T on transcript NM_014795.4 (MANE Select); coding-DNA position 1658, A replaced by T.
Protein change: p.Asn553Ile; replaces asparagine 553 with isoleucine.
Molecular consequence: missense variant.
Genome position (GRCh38, 1-based): chr2:144,399,529, T>A on the plus strand (A>T on the coding strand, the complement: ZEB2 is on the minus strand). VCF-style: chr2-144399529-T-A. GRCh37 (hg19) VCF-style: chr2-145157096-T-A.
Other names: c.1586A>T, p.Asn529Ile (NM_001171653.2); short protein forms N529I, N553I.
Identifiers: ClinVar variation 2636979 (VCV002636979.1), dbSNP rs1703279190, ClinGen allele CA348710483.